The following is an entry in ClinVar:

ClinVar aggregate classification (germline): Uncertain significance (1 of 4 stars; one submission).

gnomAD v4.1: 3 of 1,613,764 alleles (0.00019%); highest among the groups gnomAD compares: Non-Finnish European, 0.00025%; no homozygotes.

Submission:

Dasa
Classification: Uncertain significance. Last evaluated: 2024-12-02. Review status: criteria provided, single submitter. Criteria: DASA Assertion Criteria. Collection method: clinical testing. Allele origin: germline.
Comment: NM_001130823.3(DNMT1):c.2894+10C>A is a splice-region variant. This variant is rare in population databases. Computational prediction algorithms are consistent with a benign effect. The currently available literature and clinical evidence are not sufficient to establish a definitive association between this variant and the reported condition. Therefore, this variant is classified as a variant of uncertain significance.

NM_001130823.3(DNMT1):c.2894+10C>A

Gene: DNMT1 (DNA methyltransferase 1; minus strand). Cytogenetic location: 19p13.2.
Variant type: single nucleotide variant.
Coding change: c.2894+10C>A on transcript NM_001130823.3 (MANE Select); 10 bases into the intron after coding-DNA position 2894, C replaced by A.
Molecular consequence: intron variant.
Genome position (GRCh38, 1-based): chr19:10,146,341, G>T on the plus strand (C>A on the coding strand, the complement: DNMT1 is on the minus strand). VCF-style: chr19-10146341-G-T. GRCh37 (hg19) VCF-style: chr19-10257017-G-T.
Other names: c.2531+10C>A (NM_001318731.2); c.2846+10C>A (NM_001379.4, NM_001318730.2).
Identifiers: ClinVar variation 4886111 (VCV004886111.2).